The following is an entry in ClinVar:

ClinVar aggregate classification (germline): Uncertain significance (1 of 4 stars; one submission).

Conditions:
Long QT syndrome (LQTS). Identifiers: MedGen C0023976, MeSH D008133, MONDO:0002442. Disease mechanism: loss of function. Inheritance: Various modes of inheritance.

Allele frequency attached by ClinVar (database versions not stated): ExAC 0.00002.
gnomAD v4.1: 13 of 1,613,622 alleles (0.00081%); highest among the groups gnomAD compares: African/African-American, 0.015%; no homozygotes.

Submission:

Dept of Medical Biology, Uskudar University
Classification: Uncertain significance for Long QT syndrome. Last evaluated: 2024-01-08. Review status: criteria provided, single submitter. Criteria: Dept of Medical Biology Variant Classification. Collection method: research. Allele origin: unknown. Affected: yes. Observed: 1 variant allele.
Comment: Criteria: PM2

NM_001743.6(CALM2):c.-9G>C

Gene: CALM2 (calmodulin 2; minus strand). Cytogenetic location: 2p21.
Variant type: single nucleotide variant.
Coding change: c.-9G>C on transcript NM_001743.6 (MANE Select); 9 bases upstream of the start codon, G replaced by C.
Molecular consequence: 5 prime UTR variant. On other transcripts: intron variant (1), synonymous variant (1).
Genome position (GRCh38, 1-based): chr2:47,176,452, C>G on the plus strand (G>C on the coding strand, the complement: CALM2 is on the minus strand). VCF-style: chr2-47176452-C-G. GRCh37 (hg19) VCF-style: chr2-47403591-C-G.
Other names: c.-106+397G>C (NM_001305625.2); c.90G>C, p.Ala30= (NM_001305624.1).
Identifiers: ClinVar variation 2574030 (VCV002574030.3), dbSNP rs773432522, ClinGen allele CA1648671.